The following is an entry in ClinVar:

ClinVar aggregate classification (germline): Uncertain significance (1 of 4 stars; one submission).

Conditions:
Treacher Collins syndrome 1 (TCS1). Also called: TCOF1-Related Treacher Collins Syndrome. Identifiers: Orphanet 861, MedGen CN315775, MONDO:0007944, OMIM 154500.

Allele frequency attached by ClinVar (database versions not stated): ExAC 0.00001; gnomAD exomes 0.00001.

Submission:

Labcorp Genetics (formerly Invitae), Labcorp
Classification: Uncertain significance for Treacher Collins syndrome 1. Last evaluated: 2022-03-11. Review status: criteria provided, single submitter. Criteria: Invitae Variant Classification Sherloc (09022015). Collection method: clinical testing. Allele origin: germline.
Comment: This variant is present in population databases (rs780216615, gnomAD 0.0009%). In summary, the available evidence is currently insufficient to determine the role of this variant in disease. Therefore, it has been classified as a Variant of Uncertain Significance. Algorithms developed to predict the effect of missense changes on protein structure and function (SIFT, PolyPhen-2, Align-GVGD) all suggest that this variant is likely to be tolerated. This variant has not been reported in the literature in individuals affected with TCOF1-related conditions. This sequence change replaces threonine, which is neutral and polar, with proline, which is neutral and non-polar, at codon 581 of the TCOF1 protein (p.Thr581Pro).

NM_001371623.1(TCOF1):c.1741A>C (p.Thr581Pro)

Gene: TCOF1 (treacle ribosome biogenesis factor 1; plus strand). Cytogenetic location: 5q32.
Variant type: single nucleotide variant.
Coding change: c.1741A>C on transcript NM_001371623.1 (MANE Select); coding-DNA position 1741, A replaced by C.
Protein change: p.Thr581Pro; replaces threonine 581 with proline.
Molecular consequence: missense variant.
Genome position (GRCh38, 1-based): chr5:150,375,757, A>C. VCF-style: chr5-150375757-A-C. GRCh37 (hg19) VCF-style: chr5-149755320-A-C.
Other names: c.1510A>C, p.Thr504Pro (NM_000356.4, NM_001135245.2); c.1741A>C, p.Thr581Pro (NM_001008657.3, NM_001135243.2, NM_001135244.2 and 1 more transcripts); short protein forms T504P, T581P.
Identifiers: ClinVar variation 2109040 (VCV002109040.4), dbSNP rs780216615, ClinGen allele CA3510988.